The following is an entry in ClinVar:

NM_001242896.3(DEPDC5):c.4525G>A (p.Val1509Met)

Gene: DEPDC5 (DEP domain containing 5, GATOR1 subcomplex subunit; plus strand). Cytogenetic location: 22q12.3.
Variant type: single nucleotide variant.
Coding change: c.4525G>A on transcript NM_001242896.3 (MANE Select); coding-DNA position 4525, G replaced by A.
Protein change: p.Val1509Met; replaces valine 1509 with methionine.
Molecular consequence: missense variant. On other transcripts: non-coding transcript variant (5).
Genome position (GRCh38, 1-based): chr22:31,906,210, G>A. VCF-style: chr22-31906210-G-A. GRCh37 (hg19) VCF-style: chr22-32302196-G-A.
Other names: c.4498G>A, p.Val1500Met (NM_001136029.4); c.4225G>A, p.Val1409Met (NM_001242897.2); c.4459G>A, p.Val1487Met (NM_001363852.2, NM_001364320.2); c.4291G>A, p.Val1431Met (NM_001363854.2, NM_001364319.2); c.4525G>A, p.Val1509Met (NM_001364318.2); c.4441G>A, p.Val1481Met (NM_001369901.1, NM_001369902.1); c.4432G>A, p.Val1478Met (NM_001369903.1, NM_014662.6); short protein forms V1409M, V1431M, V1478M, V1481M, V1487M, V1500M, V1509M.
Identifiers: ClinVar variation 1312060 (VCV001312060.3), dbSNP rs2093755756, ClinGen allele CA411292149.

ClinVar aggregate classification (germline): Uncertain significance. Review status: criteria provided, multiple submitters, no conflicts (2 of 4 stars). 2 submissions from 2 submitters: Uncertain significance (2). Last evaluated 2024-11-26.

Conditions:
Inborn genetic diseases. Identifiers: MedGen C0950123, MeSH D030342.

Allele frequency attached by ClinVar (database versions not stated): gnomAD 0.00001.
gnomAD v4.1: 1 of 1,613,734 alleles (0.000062%); highest among the groups gnomAD compares: Admixed American, 0.0017%; no homozygotes.

Submissions (2):

Ambry Genetics
Classification: Uncertain significance for Inborn genetic diseases. Last evaluated: 2024-11-26. Review status: criteria provided, single submitter. Criteria: Ambry Variant Classification Scheme 2023. Collection method: clinical testing. Allele origin: germline.

GeneDx
Classification: Uncertain significance. Last evaluated: 2020-01-10. Review status: criteria provided, single submitter. Criteria: GeneDx Variant Classification Process June 2021. Collection method: clinical testing. Allele origin: germline. Affected: yes.
Comment: Not observed in large population cohorts (Lek et al., 2016); In silico analysis, which includes protein predictors and evolutionary conservation, supports that this variant does not alter protein structure/function; Has not been previously published as pathogenic or benign to our knowledge